The following is an entry in ClinVar:

ClinVar aggregate classification (germline): Uncertain significance. Review status: criteria provided, multiple submitters, no conflicts (2 of 4 stars). 2 submissions from 2 submitters: Uncertain significance (2). Last evaluated 2023-10-20.

Conditions:
Inborn genetic diseases. Identifiers: MedGen C0950123, MeSH D030342.
Charcot-Marie-Tooth disease type 4. Also called: Charcot-Marie-Tooth disease, type IV; Charcot-Marie-Tooth, Type 4. Identifiers: Orphanet 64749, MedGen C4082197, MONDO:0018995.

Allele frequency attached by ClinVar (database versions not stated): TOPMed below 0.00001; ExAC 0.00001; gnomAD 0.00001; gnomAD exomes 0.00001.
gnomAD v4.1: 2 of 1,613,842 alleles (0.00012%); highest among the groups gnomAD compares: Admixed American, 0.0017%; no homozygotes.

Submissions (2):

Ambry Genetics
Classification: Uncertain significance for Inborn genetic diseases. Last evaluated: 2023-10-20. Review status: criteria provided, single submitter. Criteria: Ambry Variant Classification Scheme 2023. Collection method: clinical testing. Allele origin: germline.

Labcorp Genetics (formerly Invitae), Labcorp
Classification: Uncertain significance for Charcot-Marie-Tooth disease type 4. Last evaluated: 2019-02-20. Review status: criteria provided, single submitter. Criteria: Invitae Variant Classification Sherloc (09022015). Collection method: clinical testing. Allele origin: germline.
Comment: This sequence change replaces tyrosine with cysteine at codon 487 of the SH3TC2 protein (p.Tyr487Cys). The tyrosine residue is highly conserved and there is a large physicochemical difference between tyrosine and cysteine. In summary, the available evidence is currently insufficient to determine the role of this variant in disease. Therefore, it has been classified as a Variant of Uncertain Significance. Algorithms developed to predict the effect of missense changes on protein structure and function (SIFT, PolyPhen-2, Align-GVGD) all suggest that this variant is likely to be disruptive, but these predictions have not been confirmed by published functional studies and their clinical significance is uncertain. This variant has not been reported in the literature in individuals with SH3TC2-related conditions. This variant is present in population databases (rs763417948, ExAC 0.002%).

NM_024577.4(SH3TC2):c.1460A>G (p.Tyr487Cys)

Gene: SH3TC2 (SH3 domain and tetratricopeptide repeats 2; minus strand). Cytogenetic location: 5q32.
Variant type: single nucleotide variant.
Coding change: c.1460A>G on transcript NM_024577.4 (MANE Select); coding-DNA position 1460, A replaced by G.
Protein change: p.Tyr487Cys; replaces tyrosine 487 with cysteine.
Molecular consequence: missense variant.
Genome position (GRCh38, 1-based): chr5:149,028,272, T>C on the plus strand (A>G on the coding strand, the complement: SH3TC2 is on the minus strand). VCF-style: chr5-149028272-T-C. GRCh37 (hg19) VCF-style: chr5-148407835-T-C.
Other names: short protein forms Y487C.
Identifiers: ClinVar variation 863278 (VCV000863278.10), dbSNP rs763417948, ClinGen allele CA3499171.